The following is an entry in ClinVar:

NM_020719.3(PRR12):c.1849G>C (p.Gly617Arg)

Gene: PRR12 (proline rich 12; plus strand). Cytogenetic location: 19q13.33.
Variant type: single nucleotide variant.
Coding change: c.1849G>C on transcript NM_020719.3 (MANE Select); coding-DNA position 1849, G replaced by C.
Protein change: p.Gly617Arg; replaces glycine 617 with arginine.
Molecular consequence: missense variant.
Genome position (GRCh38, 1-based): chr19:49,596,184, G>C. VCF-style: chr19-49596184-G-C. GRCh37 (hg19) VCF-style: chr19-50099441-G-C.
Other names: short protein forms G617R.
Identifiers: ClinVar variation 5008837 (VCV005008837.1).

ClinVar aggregate classification (germline): Uncertain significance (1 of 4 stars; one submission).

Submission:

GeneDx
Classification: Uncertain significance. Last evaluated: 2026-03-09. Review status: criteria provided, single submitter. Criteria: GeneDx Variant Classification Process June 2021. Collection method: clinical testing. Allele origin: germline.
Comment: Not observed at significant frequency in large population cohorts (gnomAD); In silico analysis suggests that this missense variant does not alter protein structure/function; Has not been previously published as pathogenic or benign to our knowledge